The following is an entry in ClinVar:

ClinVar aggregate classification (germline): Pathogenic (1 of 4 stars; one submission).

Submission:

Labcorp Genetics (formerly Invitae), Labcorp
Classification: Pathogenic. Last evaluated: 2024-02-24. Review status: criteria provided, single submitter. Criteria: Invitae Variant Classification Sherloc (09022015). Collection method: clinical testing. Allele origin: germline.
Comment: This sequence change creates a premature translational stop signal (p.Gln144*) in the KARS gene. It is expected to result in an absent or disrupted protein product. Loss-of-function variants in KARS are known to be pathogenic (PMID: 30252186, 33942428). This variant is not present in population databases (gnomAD no frequency). This variant has not been reported in the literature in individuals affected with KARS-related conditions. ClinVar contains an entry for this variant (Variation ID: 2127490). For these reasons, this variant has been classified as Pathogenic.

Literature cited by the submitters: PubMed 30252186; PubMed 33942428.

NM_005548.3(KARS1):c.346C>T (p.Gln116Ter)

Gene: KARS1 (lysyl-tRNA synthetase 1; minus strand). Cytogenetic location: 16q23.1.
Variant type: single nucleotide variant.
Coding change: c.346C>T on transcript NM_005548.3 (MANE Select); coding-DNA position 346, C replaced by T.
Protein change: p.Gln116Ter; replaces glutamine 116 with a stop codon.
Molecular consequence: nonsense. On other transcripts: 5 prime UTR variant (1).
Genome position (GRCh38, 1-based): chr16:75,640,226, G>A on the plus strand (C>T on the coding strand, the complement: KARS1 is on the minus strand). VCF-style: chr16-75640226-G-A. GRCh37 (hg19) VCF-style: chr16-75674124-G-A.
Other names: c.430C>T, p.Gln144Ter (NM_001130089.2); c.-123C>T (NM_001378148.1); short protein forms Q116*, Q144*.
Identifiers: ClinVar variation 2127490 (VCV002127490.4), dbSNP rs2082208014, ClinGen allele CA396815623.